The following is an entry in ClinVar:

NM_000465.4(BARD1):c.1865T>C (p.Leu622Pro)

Gene: BARD1 (BRCA1 associated RING domain 1; minus strand). Cytogenetic location: 2q35.
Variant type: single nucleotide variant.
Coding change: c.1865T>C on transcript NM_000465.4 (MANE Select); coding-DNA position 1865, T replaced by C.
Protein change: p.Leu622Pro; replaces leucine 622 with proline.
Molecular consequence: missense variant. On other transcripts: non-coding transcript variant (3), intron variant (1).
Genome position (GRCh38, 1-based): chr2:214,745,105, A>G on the plus strand (T>C on the coding strand, the complement: BARD1 is on the minus strand). VCF-style: chr2-214745105-A-G. GRCh37 (hg19) VCF-style: chr2-215609829-A-G.
Other names: c.1808T>C, p.Leu603Pro (NM_001282543.2); c.512T>C, p.Leu171Pro (NM_001282545.2); c.455T>C, p.Leu152Pro (NM_001282548.2); c.365-14597T>C (NM_001282549.2); short protein forms L152P, L171P, L603P, L622P.
Identifiers: ClinVar variation 1721540 (VCV001721540.8), dbSNP rs2469337910, ClinGen allele CA350452147.

ClinVar aggregate classification (germline): Uncertain significance. Review status: criteria provided, multiple submitters, no conflicts (2 of 4 stars). 2 submissions from 2 submitters: Uncertain significance (2). Last evaluated 2025-09-23.

Conditions:
Hereditary cancer-predisposing syndrome. Also called: Hereditary neoplastic syndrome; Neoplastic Syndromes, Hereditary; Hereditary Cancer Syndrome; Tumor predisposition. Identifiers: Orphanet 140162, MedGen C0027672, MeSH D009386, MONDO:0015356.
Familial cancer of breast. Also called: BREAST CANCER, FAMILIAL; hereditary breast carcinoma; Hereditary breast cancer. Identifiers: Orphanet 227535, MedGen C0346153, MONDO:0016419, OMIM 114480. Disease mechanism: loss of function.

Submissions (2):

Labcorp Genetics (formerly Invitae), Labcorp
Classification: Uncertain significance for Familial cancer of breast. Last evaluated: 2025-09-23. Review status: criteria provided, single submitter. Criteria: Invitae Variant Classification Sherloc (09022015). Collection method: clinical testing. Allele origin: germline.
Comment: This sequence change replaces leucine, which is neutral and non-polar, with proline, which is neutral and non-polar, at codon 622 of the BARD1 protein (p.Leu622Pro). This variant is not present in population databases (gnomAD no frequency). This variant has not been reported in the literature in individuals affected with BARD1-related conditions. ClinVar contains an entry for this variant (Variation ID: 1721540). An algorithm developed to predict the effect of missense changes on protein structure and function (PolyPhen-2) suggests that this variant is likely to be disruptive. In summary, the available evidence is currently insufficient to determine the role of this variant in disease. Therefore, it has been classified as a Variant of Uncertain Significance.

Ambry Genetics
Classification: Uncertain significance for Hereditary cancer-predisposing syndrome. Last evaluated: 2020-02-10. Review status: criteria provided, single submitter. Criteria: Ambry Variant Classification Scheme 2023. Collection method: clinical testing. Allele origin: germline.
Comment: The p.L622P variant (also known as c.1865T>C), located in coding exon 9 of the BARD1 gene, results from a T to C substitution at nucleotide position 1865. The leucine at codon 622 is replaced by proline, an amino acid with similar properties. This amino acid position is well conserved in available vertebrate species. In addition, the in silico prediction for this alteration is inconclusive. Since supporting evidence is limited at this time, the clinical significance of this alteration remains unclear.